The following is an entry in ClinVar:

ClinVar aggregate classification (germline): Uncertain significance (1 of 4 stars; one submission).

Allele frequency attached by ClinVar (database versions not stated): gnomAD exomes below 0.00001; gnomAD 0.00001.
gnomAD v4.1: 2 of 1,613,156 alleles (0.00012%); highest among the groups gnomAD compares: Middle Eastern, 0.016%; no homozygotes.

Submission:

Ambry Genetics
Classification: Uncertain significance. Last evaluated: 2023-04-25. Review status: criteria provided, single submitter. Criteria: Ambry Variant Classification Scheme 2023. Collection method: clinical testing. Allele origin: germline.
Comment: The p.S1726C variant (also known as c.5176A>T), located in coding exon 16 of the POLQ gene, results from an A to T substitution at nucleotide position 5176. The serine at codon 1726 is replaced by cysteine, an amino acid with dissimilar properties. This amino acid position is conserved. In addition, this alteration is predicted to be tolerated by in silico analysis. Since supporting evidence is limited at this time, the clinical significance of this alteration remains unclear.

NM_199420.4(POLQ):c.5176A>T (p.Ser1726Cys)

Gene: POLQ (DNA polymerase theta; minus strand). Cytogenetic location: 3q13.33.
Variant type: single nucleotide variant.
Coding change: c.5176A>T on transcript NM_199420.4 (MANE Select); coding-DNA position 5176, A replaced by T.
Protein change: p.Ser1726Cys; replaces serine 1726 with cysteine.
Molecular consequence: missense variant.
Genome position (GRCh38, 1-based): chr3:121,487,755, T>A on the plus strand (A>T on the coding strand, the complement: POLQ is on the minus strand). VCF-style: chr3-121487755-T-A. GRCh37 (hg19) VCF-style: chr3-121206602-T-A.
Other names: short protein forms S1726C.
Identifiers: ClinVar variation 2563813 (VCV002563813.2), dbSNP rs2108797443, ClinGen allele CA354091716.